The following is an entry in ClinVar:

NM_144997.7(FLCN):c.1172T>C (p.Leu391Pro)

Gene: FLCN (folliculin; minus strand). Cytogenetic location: 17p11.2.
Variant type: single nucleotide variant.
Coding change: c.1172T>C on transcript NM_144997.7 (MANE Select); coding-DNA position 1172, T replaced by C.
Protein change: p.Leu391Pro; replaces leucine 391 with proline.
Molecular consequence: missense variant.
Genome position (GRCh38, 1-based): chr17:17,217,073, A>G on the plus strand (T>C on the coding strand, the complement: FLCN is on the minus strand). VCF-style: chr17-17217073-A-G. GRCh37 (hg19) VCF-style: chr17-17120387-A-G.
Other names: c.1226T>C, p.Leu409Pro (NM_001353229.2); c.1172T>C, p.Leu391Pro (NM_001353230.2, NM_001353231.2); short protein forms L409P, L391P.
Identifiers: ClinVar variation 1739975 (VCV001739975.2), dbSNP rs2544172045, ClinGen allele CA398532102.

ClinVar aggregate classification (germline): Uncertain significance (1 of 4 stars; one submission).

Conditions:
Hereditary cancer-predisposing syndrome. Also called: Hereditary Cancer Syndrome; Hereditary neoplastic syndrome; Neoplastic Syndromes, Hereditary; Tumor predisposition. Identifiers: Orphanet 140162, MedGen C0027672, MeSH D009386, MONDO:0015356.

Submission:

Ambry Genetics
Classification: Uncertain significance for Hereditary cancer-predisposing syndrome. Last evaluated: 2020-04-17. Review status: criteria provided, single submitter. Criteria: Ambry Variant Classification Scheme 2023. Collection method: clinical testing. Allele origin: germline.
Comment: The p.L391P variant (also known as c.1172T>C), located in coding exon 7 of the FLCN gene, results from a T to C substitution at nucleotide position 1172. The leucine at codon 391 is replaced by proline, an amino acid with similar properties. This amino acid position is highly conserved in available vertebrate species. In addition, this alteration is predicted to be deleterious by in silico analysis. Since supporting evidence is limited at this time, the clinical significance of this alteration remains unclear.